The following is an entry in ClinVar:

NM_000961.4(PTGIS):c.1117C>A (p.Arg373=)

Gene: PTGIS (prostaglandin I2 synthase; minus strand). Cytogenetic location: 20q13.13.
Variant type: single nucleotide variant.
Coding change: c.1117C>A on transcript NM_000961.4 (MANE Select); coding-DNA position 1117, C replaced by A.
Protein change: p.Arg373=; no amino-acid change (arginine 373 retained).
Molecular consequence: synonymous variant.
Genome position (GRCh38, 1-based): chr20:49,513,169, G>T on the plus strand (C>A on the coding strand, the complement: PTGIS is on the minus strand). VCF-style: chr20-49513169-G-T. GRCh37 (hg19) VCF-style: chr20-48129706-G-T.
Identifiers: ClinVar variation 3060885 (VCV003060885.2), dbSNP rs5629, ClinGen allele CA9903391.

ClinVar aggregate classification (germline): Benign (0 of 4 stars; one submission).

Conditions:
PTGIS-related disorder. Also called: PTGIS-related condition.

Allele frequency attached by ClinVar (database versions not stated): ExAC 0.24910; 1000 Genomes Project 30x 0.21705; ESP Exome Variant Server 0.21751; 1000 Genomes Project 0.22025; TOPMed 0.22138.
gnomAD v4.1: 390,404 of 1,613,868 alleles (24%); highest among the groups gnomAD compares: Middle Eastern, 36%; 48,620 homozygotes.

Submission:

PreventionGenetics, part of Exact Sciences
Classification: Benign for PTGIS-related condition. Last evaluated: 2019-10-21. Review status: no assertion criteria provided. Collection method: clinical testing. Allele origin: germline.
Comment: This variant is classified as benign based on ACMG/AMP sequence variant interpretation guidelines (Richards et al. 2015 PMID: 25741868, with internal and published modifications).